The following is an entry in ClinVar:

NM_003803.4(MYOM1):c.4379C>G (p.Ala1460Gly)

Gene: MYOM1 (myomesin 1; minus strand). Cytogenetic location: 18p11.31.
Variant type: single nucleotide variant.
Coding change: c.4379C>G on transcript NM_003803.4 (MANE Select); coding-DNA position 4379, C replaced by G.
Protein change: p.Ala1460Gly; replaces alanine 1460 with glycine.
Molecular consequence: missense variant.
Genome position (GRCh38, 1-based): chr18:3,083,894, G>C on the plus strand (C>G on the coding strand, the complement: MYOM1 is on the minus strand). VCF-style: chr18-3083894-G-C. GRCh37 (hg19) VCF-style: chr18-3083892-G-C.
Other names: c.4091C>G, p.Ala1364Gly (NM_019856.2); short protein forms A1460G, A1364G.
Identifiers: ClinVar variation 2069145 (VCV002069145.4), dbSNP rs978000831, ClinGen allele CA295542513.

ClinVar aggregate classification (germline): Uncertain significance (1 of 4 stars; one submission).

Conditions:
Hypertrophic cardiomyopathy. Also called: HYPERTROPHIC MYOCARDIOPATHY. Identifiers: Orphanet 217569, MedGen C0007194, MeSH D002312, MONDO:0005045, HP:0001639.

Submission:

Labcorp Genetics (formerly Invitae), Labcorp
Classification: Uncertain significance for Hypertrophic cardiomyopathy. Last evaluated: 2022-08-09. Review status: criteria provided, single submitter. Criteria: Invitae Variant Classification Sherloc (09022015). Collection method: clinical testing. Allele origin: germline.
Comment: This variant is not present in population databases (gnomAD no frequency). This variant has not been reported in the literature in individuals affected with MYOM1-related conditions. Algorithms developed to predict the effect of missense changes on protein structure and function (SIFT, PolyPhen-2, Align-GVGD) all suggest that this variant is likely to be tolerated. Algorithms developed to predict the effect of sequence changes on RNA splicing suggest that this variant may create or strengthen a splice site. In summary, the available evidence is currently insufficient to determine the role of this variant in disease. Therefore, it has been classified as a Variant of Uncertain Significance. This sequence change replaces alanine, which is neutral and non-polar, with glycine, which is neutral and non-polar, at codon 1460 of the MYOM1 protein (p.Ala1460Gly).